The following is an entry in ClinVar:

ClinVar aggregate classification (germline): Benign/Likely benign. Review status: criteria provided, multiple submitters, no conflicts (2 of 4 stars). 9 submissions from 9 submitters: Benign (1); Likely benign (7). 1 of the submissions does not count toward it. Last evaluated 2026-02-02.

Conditions:
MBD5-related disorder. Also called: MBD5-related condition.
Inborn genetic diseases. Identifiers: MedGen C0950123, MeSH D030342.
Intellectual developmental disorder, autosomal dominant 1. Also called: MBD5 Haploinsufficiency; Intellectual disability, autosomal dominant 1. Identifiers: Orphanet 228402, MedGen C1969562, MONDO:0007974, OMIM 156200.

Allele frequency attached by ClinVar (database versions not stated): 1000 Genomes Project 30x 0.00031; 1000 Genomes Project 0.00040; ExAC 0.00050; gnomAD exomes 0.00051 and 0.00085; TOPMed 0.00056; gnomAD 0.00068; ESP Exome Variant Server 0.00092.
gnomAD v4.1: 1,332 of 1,613,954 alleles (0.083%); highest among the groups gnomAD compares: Non-Finnish European, 0.1%; 3 homozygotes.

Submissions (9):

Labcorp Genetics (formerly Invitae), Labcorp
Classification: Likely benign for Intellectual developmental disorder, autosomal dominant 1. Last evaluated: 2026-02-02. Review status: criteria provided, single submitter. Criteria: Invitae Variant Classification Sherloc (09022015). Collection method: clinical testing. Allele origin: germline.

CeGaT Center for Human Genetics Tuebingen
Classification: Likely benign. Last evaluated: 2025-09-01. Review status: criteria provided, single submitter. Criteria: CeGaT Center For Human Genetics Tuebingen Variant Classification Criteria Version 2. Collection method: clinical testing. Allele origin: germline. Affected: yes. Observed: 7 variant alleles.
Comment: MBD5: BS1

Blueprint Genetics
Classification: Likely benign. Last evaluated: 2024-11-26. Review status: criteria provided, single submitter. Criteria: ACMG Guidelines, 2015. Collection method: clinical testing. Allele origin: germline.

Center for Genomics, Ann and Robert H. Lurie Children's Hospital of Chicago
Classification: Likely benign for Intellectual developmental disorder, autosomal dominant 1. Last evaluated: 2021-03-30. Review status: criteria provided, single submitter. Criteria: ACMG Guidelines, 2015. Collection method: clinical testing. Allele origin: germline.
Comment: MBD5 NM_018328.4 exon 11 p.Gln1015Arg (c.3044A>G): This variant has not been reported in the literature but is present in 0.1% (78/64570) of European alleles in the Genome Aggregation Database, including 1 homozygote. This variant is also present in ClinVar, with several labs classifying this variant as benign or likely benign (Variation ID:193911). Evolutionary conservation and computational predictive tools suggest that this variant may impact the protein. In summary, data on this variant suggests that this variant does not cause disease, but requires further evidence. Therefore this variant is classified as likely benign.

GeneDx
Classification: Likely benign. Last evaluated: 2021-03-17. Review status: criteria provided, single submitter. Criteria: GeneDx Variant Classification Process June 2021. Collection method: clinical testing. Allele origin: germline. Affected: yes.
Comment: In silico analysis, which includes protein predictors and evolutionary conservation, supports that this variant does not alter protein structure/function

Ambry Genetics
Classification: Likely benign for Inborn genetic diseases. Last evaluated: 2017-12-18. Review status: criteria provided, single submitter. Criteria: Ambry Variant Classification Scheme 2023. Collection method: clinical testing. Allele origin: germline.

Center for Pediatric Genomic Medicine, Children's Mercy Hospital and Clinics
Classification: Likely benign. Last evaluated: 2017-02-23. Review status: criteria provided, single submitter. Criteria: ACMG Guidelines, 2015. Collection method: clinical testing. Allele origin: germline.

Eurofins Ntd Llc (ga)
Classification: Benign. Last evaluated: 2014-06-04. Review status: criteria provided, single submitter. Criteria: EGL Classification Definitions 2015. Collection method: clinical testing. Allele origin: germline. Observed: 1 variant allele, 1 heterozygote.

PreventionGenetics, part of Exact Sciences
Classification: Likely benign for MBD5-related condition. Last evaluated: 2022-09-15. Review status: no assertion criteria provided. Collection method: clinical testing. Allele origin: germline. Not counted in ClinVar's aggregate classification.
Comment: This variant is classified as likely benign based on ACMG/AMP sequence variant interpretation guidelines (Richards et al. 2015 PMID: 25741868, with internal and published modifications).

NM_001378120.1(MBD5):c.3743A>G (p.Gln1248Arg)

Gene: MBD5 (methyl-CpG binding domain protein 5; plus strand). Cytogenetic location: 2q23.1.
Variant type: single nucleotide variant.
Coding change: c.3743A>G on transcript NM_001378120.1 (MANE Select); coding-DNA position 3743, A replaced by G.
Protein change: p.Gln1248Arg; replaces glutamine 1248 with arginine.
Molecular consequence: missense variant.
Genome position (GRCh38, 1-based): chr2:148,485,940, A>G. VCF-style: chr2-148485940-A-G. GRCh37 (hg19) VCF-style: chr2-149243509-A-G.
Other names: c.3044A>G, p.Gln1015Arg (NM_018328.5); short protein forms Q1015R, Q1248R.
Identifiers: ClinVar variation 193911 (VCV000193911.60), dbSNP rs143028540, ClinGen allele CA302721.
Genomic context (GRCh38, chr2:148,485,940, plus strand): 5'-TCCAAGGACAGTCCACAATTCCTTGCCCAGCTAACAATAACCCCATGGCTTGTCTGTTTC[A>G]GAACTTTCAGGTACTCTCCTCTGCTGTGTCATTTTAGAAGAAAACAATGTCTGAGTTTGT-3'
Protein context (NP_001365049.1, residues 1238-1258): ANNNPMACLF[Gln1248Arg]NFQVRMQEDA